The following is an entry in ClinVar:

ClinVar aggregate classification (germline): Conflicting classifications of pathogenicity. Review status: criteria provided, conflicting classifications (1 of 4 stars). 3 submissions from 3 submitters: Uncertain significance (2); Likely benign (1). Last evaluated 2026-01-06.

Conditions:
Conotruncal heart malformations (CTHM). Also called: Conotruncal heart malformations, variable. Identifiers: Orphanet 2445, Orphanet 3384, Orphanet 3426, MedGen C1857586, MONDO:0016581, OMIM 217095.

Allele frequency attached by ClinVar (database versions not stated): 1000 Genomes Project 30x 0.00016; 1000 Genomes Project 0.00040.

Submissions (3):

Labcorp Genetics (formerly Invitae), Labcorp
Classification: Likely benign for Conotruncal heart malformations. Last evaluated: 2026-01-06. Review status: criteria provided, single submitter. Criteria: Invitae Variant Classification Sherloc (09022015). Collection method: clinical testing. Allele origin: germline.

Blueprint Genetics
Classification: Uncertain significance. Last evaluated: 2024-10-17. Review status: criteria provided, single submitter. Criteria: ACMG Guidelines, 2015. Collection method: clinical testing. Allele origin: germline.

GeneDx
Classification: Uncertain significance. Last evaluated: 2019-12-06. Review status: criteria provided, single submitter. Criteria: GeneDx Variant Classification Process June 2021. Collection method: clinical testing. Allele origin: germline. Affected: yes.
Comment: In silico analysis, which includes protein predictors and evolutionary conservation, supports that this variant does not alter protein structure/function; Has not been previously published as pathogenic or benign to our knowledge

NM_001136271.3(NKX2-6):c.368G>A (p.Arg123His)

Gene: NKX2-6 (NK2 homeobox 6; minus strand). Cytogenetic location: 8p21.2.
Variant type: single nucleotide variant.
Coding change: c.368G>A on transcript NM_001136271.3 (MANE Select); coding-DNA position 368, G replaced by A.
Protein change: p.Arg123His; replaces arginine 123 with histidine.
Molecular consequence: missense variant.
Genome position (GRCh38, 1-based): chr8:23,702,989, C>T on the plus strand (G>A on the coding strand, the complement: NKX2-6 is on the minus strand). VCF-style: chr8-23702989-C-T. GRCh37 (hg19) VCF-style: chr8-23560502-C-T.
Other names: short protein forms R123H.
Identifiers: ClinVar variation 1311053 (VCV001311053.10), dbSNP rs568127693, ClinGen allele CA174010923.
Genomic context (GRCh38, chr8:23,702,989, plus strand): 5'-TGCGCCTGCGAAAAGAGCACGCGCGGCTTCCGTCGTTGCCGCGCCTTGGGCTGCTCCGAG[C>T]GGCCACCCCGCACGCTGTCGCCGCTGTTGCCAACGCCGCGCTCTGGCACCCTGGTCCCGC-3'
Protein context (NP_001129743.2, residues 113-133): GNSGDSVRGG[Arg123His]SEQPKARQRR